The following is an entry in ClinVar:

ClinVar aggregate classification (germline): Uncertain significance (1 of 4 stars; one submission).

Conditions:
RYR1-related disorder. Also called: RYR1-related disorders; RYR1-related condition. Identifiers: MedGen CN239331.

gnomAD v4.1: 1 of 1,613,900 alleles (0.000062%); highest among the groups gnomAD compares: Non-Finnish European, 0.000085%; no homozygotes.

Submission:

Labcorp Genetics (formerly Invitae), Labcorp
Classification: Uncertain significance for RYR1-related disorder. Last evaluated: 2019-04-25. Review status: criteria provided, single submitter. Criteria: Invitae Variant Classification Sherloc (09022015). Collection method: clinical testing. Allele origin: germline.
Comment: This variant disrupts the p.Gly3990 amino acid residue in RYR1. Other variant(s) that disrupt this residue have been determined to be pathogenic (PMID: 30236257, 19648156, 16917943). This suggests that this residue is clinically-significant, and that variants that disrupt this residue are likely to be disease-causing. In summary, the available evidence is currently insufficient to determine the role of this variant in disease. Therefore, it has been classified as a Variant of Uncertain Significance. Algorithms developed to predict the effect of missense changes on protein structure and function (SIFT, PolyPhen-2, Align-GVGD) all suggest that this variant is likely to be tolerated, but these predictions have not been confirmed by published functional studies and their clinical significance is uncertain. This sequence change replaces glycine with alanine at codon 3990 of the RYR1 protein (p.Gly3990Ala). The glycine residue is moderately conserved and there is a small physicochemical difference between glycine and alanine. This variant is not present in population databases (ExAC no frequency). This variant has not been reported in the literature in individuals with RYR1-related conditions.

Literature cited by the submitters: PubMed 30236257; PubMed 19648156; PubMed 16917943.

NM_000540.3(RYR1):c.11969G>C (p.Gly3990Ala)

Gene: RYR1 (ryanodine receptor 1; plus strand). Cytogenetic location: 19q13.2.
Variant type: single nucleotide variant.
Coding change: c.11969G>C on transcript NM_000540.3 (MANE Select); coding-DNA position 11969, G replaced by C.
Protein change: p.Gly3990Ala; replaces glycine 3990 with alanine.
Molecular consequence: missense variant.
Genome position (GRCh38, 1-based): chr19:38,543,832, G>C. VCF-style: chr19-38543832-G-C. GRCh37 (hg19) VCF-style: chr19-39034472-G-C.
Other names: c.11954G>C, p.Gly3985Ala (NM_001042723.2); short protein forms G3990A, G3985A.
Identifiers: ClinVar variation 836110 (VCV000836110.8), dbSNP rs193922843, ClinGen allele CA405662889.